The following is an entry in ClinVar:

ClinVar aggregate classification (germline): Uncertain significance (1 of 4 stars; one submission).

Conditions:
MID1-related disorder. Also called: MID1-related condition.

Submission:

PreventionGenetics, part of Exact Sciences
Classification: Uncertain significance for MID1-related condition. Last evaluated: 2026-04-13. Review status: criteria provided, single submitter. Criteria: ACMG Guidelines, 2015. Collection method: clinical testing. Allele origin: germline.
Comment: The MID1 c.1808G>A variant is predicted to result in the amino acid substitution p.Arg603His. To our knowledge, this variant has not been reported in the literature. This variant is reported in 0.0072% of alleles in individuals of East Asian descent in gnomAD. At this time, the clinical significance of this variant is uncertain due to the absence of conclusive functional and genetic evidence.

NM_000381.4(MID1):c.1808G>A (p.Arg603His)

Genes: MID1 (midline 1; minus strand), LOC126863207 (BRD4-independent group 4 enhancer GRCh37_chrX:10416979-10418178; plus strand). Cytogenetic location: Xp22.2.
Variant type: single nucleotide variant.
Coding change: c.1808G>A on transcript NM_000381.4 (MANE Select); coding-DNA position 1808, G replaced by A.
Protein change: p.Arg603His; replaces arginine 603 with histidine.
Molecular consequence: missense variant.
Genome position (GRCh38, 1-based): chrX:10,449,564, C>T on the plus strand (G>A on the coding strand, the complement: MID1 is on the minus strand). VCF-style: chrX-10449564-C-T. GRCh37 (hg19) VCF-style: chrX-10417604-C-T.
Other names: c.1808G>A, p.Arg603His (NM_001098624.2, NM_001193277.1, NM_001347733.2 and 1 more transcripts); c.1694G>A, p.Arg565His (NM_033289.2); short protein forms R565H, R603H.
Identifiers: ClinVar variation 4985259 (VCV004985259.1).